The following is an entry in ClinVar:

NM_000484.4(APP):c.1247C>T (p.Ala416Val)

Gene: APP (amyloid beta precursor protein; minus strand). Cytogenetic location: 21q21.3.
Variant type: single nucleotide variant.
Coding change: c.1247C>T on transcript NM_000484.4 (MANE Select); coding-DNA position 1247, C replaced by T.
Protein change: p.Ala416Val; replaces alanine 416 with valine.
Molecular consequence: missense variant.
Genome position (GRCh38, 1-based): chr21:25,976,006, G>A on the plus strand (C>T on the coding strand, the complement: APP is on the minus strand). VCF-style: chr21-25976006-G-A. GRCh37 (hg19) VCF-style: chr21-27348319-G-A.
Other names: c.1175C>T, p.Ala392Val (NM_001136016.3); c.854C>T, p.Ala285Val (NM_001136129.3); c.1079C>T, p.Ala360Val (NM_001136130.3, NM_001385253.1); c.917C>T, p.Ala306Val (NM_001136131.3); c.1247C>T, p.Ala416Val (NM_001204301.2); c.1190C>T, p.Ala397Val (NM_001204302.2, NM_201413.3); c.1022C>T, p.Ala341Val (NM_001204303.2, NM_201414.3); short protein forms A306V, A341V, A360V, A392V, A397V, A416V, A285V.
Identifiers: ClinVar variation 2553012 (VCV002553012.3), dbSNP rs372702043, ClinGen allele CA9987371.

ClinVar aggregate classification (germline): Uncertain significance. Review status: criteria provided, multiple submitters, no conflicts (2 of 4 stars). 2 submissions from 2 submitters: Uncertain significance (2). Last evaluated 2025-07-12.

Conditions:
APP-related disorder. Also called: APP-related condition.
Inborn genetic diseases. Identifiers: MedGen C0950123, MeSH D030342.

Allele frequency attached by ClinVar (database versions not stated): gnomAD exomes below 0.00001; ExAC 0.00001; TOPMed 0.00001; gnomAD 0.00003; ESP Exome Variant Server 0.00008.

Submissions (2):

PreventionGenetics, part of Exact Sciences
Classification: Uncertain significance for APP-related condition. Last evaluated: 2025-07-12. Review status: criteria provided, single submitter. Criteria: ACMG Guidelines, 2015. Collection method: clinical testing. Allele origin: germline.
Comment: The APP c.1247C>T variant is predicted to result in the amino acid substitution p.Ala416Val. To our knowledge, this variant has not been reported in the literature. This variant is reported in 0.0029% of alleles in individuals of Latino descent in gnomAD. At this time, the clinical significance of this variant is uncertain due to the absence of conclusive functional and genetic evidence.

Ambry Genetics
Classification: Uncertain significance for Inborn genetic diseases. Last evaluated: 2023-05-30. Review status: criteria provided, single submitter. Criteria: Ambry Variant Classification Scheme 2023. Collection method: clinical testing. Allele origin: germline.